The following is an entry in ClinVar:

ClinVar aggregate classification (germline): Uncertain significance. Review status: criteria provided, multiple submitters, no conflicts (2 of 4 stars). 6 submissions from 6 submitters: Uncertain significance (6). Last evaluated 2026-09-09.

Conditions:
CDK4-related disorder. Also called: CDK4-related condition.
Hereditary cancer-predisposing syndrome. Also called: Neoplastic Syndromes, Hereditary; Hereditary neoplastic syndrome; Hereditary Cancer Syndrome; Tumor predisposition. Identifiers: Orphanet 140162, MedGen C0027672, MeSH D009386, MONDO:0015356.
Familial melanoma. Also called: Hereditary melanoma; Hereditary cutaneous melanoma. Identifiers: Orphanet 618, MedGen C1512419, MONDO:0018961.

Allele frequency attached by ClinVar (database versions not stated): ExAC 0.00003; gnomAD exomes 0.00005 and 0.00002; gnomAD 0.00001; TOPMed 0.00002.
gnomAD v4.1: 74 of 1,614,100 alleles (0.0046%); highest among the groups gnomAD compares: Non-Finnish European, 0.0059%; no homozygotes.

Submissions (6):

Ambry Genetics
Classification: Uncertain significance for Hereditary cancer-predisposing syndrome. Last evaluated: 2026-09-09. Review status: criteria provided, single submitter. Criteria: Ambry Variant Classification Scheme 2023. Collection method: clinical testing. Allele origin: germline.
Comment: The c.155G>A (p.S52N) alteration is located in exon 2 (coding exon 1) of the CDK4 gene. This alteration results from a G to A substitution at nucleotide position 155, causing the serine (S) at amino acid position 52 to be replaced by an asparagine (N). Based on data from gnomAD, the A allele has an overall frequency of 0.002% (4/251460) total alleles studied. The highest observed frequency was 0.004% (4/113736) of European (non-Finnish) alleles. Based on insufficient or conflicting evidence, the clinical significance of this alteration remains unclear.

Labcorp Genetics (formerly Invitae), Labcorp
Classification: Uncertain significance for Familial melanoma. Last evaluated: 2025-12-17. Review status: criteria provided, single submitter. Criteria: Invitae Variant Classification Sherloc (09022015). Collection method: clinical testing. Allele origin: germline.
Comment: This sequence change replaces serine, which is neutral and polar, with asparagine, which is neutral and polar, at codon 52 of the CDK4 protein (p.Ser52Asn). This variant is present in population databases (rs760719270, gnomAD 0.004%). This missense change has been observed in individual(s) with head and neck carcinoma, melanoma, and/or ovarian cancer (PMID: 10398427, 22932448, 25980754, 34326862). ClinVar contains an entry for this variant (Variation ID: 439046). An algorithm developed to predict the effect of missense changes on protein structure and function (PolyPhen-2) suggests that this variant is likely to be disruptive. Experimental studies have shown that this missense change does not substantially affect CDK4 function (PMID: 24162924, 25416956). In summary, the available evidence is currently insufficient to determine the role of this variant in disease. Therefore, it has been classified as a Variant of Uncertain Significance.

GeneDx
Classification: Uncertain significance. Last evaluated: 2025-02-19. Review status: criteria provided, single submitter. Criteria: GeneDx Variant Classification Process June 2021. Collection method: clinical testing. Allele origin: germline. Affected: yes.
Comment: Observed in a hereditary melanoma family, who also harbored a CDKN2A variant (Ile49Ser), found to segregate with cancer, as well as in individuals with ovarian cancer or suspected of having Lynch syndrome (PMID: 10398427, 25980754, 34326862); Functional studies demonstrate that this variant does not significantly affect binding with CDKN2C or other protein interactions (PMID: 24162924, 25416956); In silico analysis indicates that this missense variant does not alter protein structure/function; Not observed at significant frequency in large population cohorts (gnomAD); This variant is associated with the following publications: (PMID: 25416956, 24162924, 19888216, 11828258, 22932448, 25980754, 10398427, 35113472, 34326862, 26580448)

PreventionGenetics, part of Exact Sciences
Classification: Uncertain significance for CDK4-related condition. Last evaluated: 2023-03-07. Review status: criteria provided, single submitter. Criteria: ACMG Guidelines, 2015. Collection method: clinical testing. Allele origin: germline.
Comment: The CDK4 c.155G>A variant is predicted to result in the amino acid substitution p.Ser52Asn. This variant was found in two out of four patients from a family with melanoma; three out of four patients also carried a variant in the CDKN2A gene (Figure 2, Holland et al. 1999. PubMed ID: 10398427). The c.155G>A variant in CDK4 was also detected in one patient undergoing Lynch syndrome testing (Yurgelun et al. 2015. PubMed ID: 25980754) and in one child with B-ALL (Zhang et al. 2015. PubMed ID: 26580448). In vitro functional characterization showed that this variant does not perturb CDK4 binding to CDKN2C (Rolland et al. 2014. PubMed ID: 25416956). This variant is reported in 0.0035% of alleles in individuals of European (Non-Finnish) descent in gnomAD and is interpreted as a variant of uncertain significance in Clinvar. At this time, the clinical significance of this variant is uncertain due to the absence of conclusive functional and genetic evidence.

Women's Health and Genetics/Laboratory Corporation of America, LabCorp
Classification: Uncertain significance. Last evaluated: 2022-03-03. Review status: criteria provided, single submitter. Criteria: LabCorp Variant Classification Summary - May 2015. Collection method: clinical testing. Allele origin: germline.
Comment: Variant summary: CDK4 c.155G>A (p.Ser52Asn) results in a conservative amino acid change located in the Protein kinase domain (IPR000719) of the encoded protein sequence. Three of five in-silico tools predict a benign effect of the variant on protein function. The variant allele was found at a frequency of 1.6e-05 in 251460 control chromosomes (gnomAD). The available data on variant occurrences in the general population are insufficient to allow any conclusion about variant significance. c.155G>A has been reported in the literature in one family affected with Melanoma (Holland_1999), however all affected members of the family also had a second (possibly) pathogenic variant (CDKN2A c.146T>G, p.Ile49Ser), which could explain the phenotype. In addition, co-occurrences with other pathogenic variants have been reported (CHEK2 c.1100delC, p.Thr367MetfsX15; in an internal LCA sample), providing supporting evidence for a benign role. Publications also reported experimental evidence evaluating an impact on protein function, and demonstrated using yeast two-hybrid assays that the variant doesn't significantly affect protein interactions (Zhong_2009, Lambert_2013, Rolland_2014). Four ClinVar submitters have assessed the variant since 2014: all submitters classified the variant as of uncertain significance. Based on the evidence outlined above, the variant was classified as VUS-possibly benign.

Quest Diagnostics Nichols Institute San Juan Capistrano
Classification: Uncertain significance. Last evaluated: 2017-07-18. Review status: criteria provided, single submitter. Criteria: Quest Diagnostics criteria. Collection method: clinical testing. Allele origin: germline.

Literature cited by the submitters: PubMed 10398427 (cited by 3 submitters); PubMed 22932448 (cited by Labcorp Genetics (formerly Invitae), Labcorp); PubMed 25980754 (cited by 3 submitters); PubMed 34326862 (cited by Labcorp Genetics (formerly Invitae), Labcorp); PubMed 24162924 (cited by 3 submitters); PubMed 25416956 (cited by 3 submitters); PubMed 19888216 (cited by Women's Health and Genetics/Laboratory Corporation of America, LabCorp and Quest Diagnostics Nichols Institute San Juan Capistrano); PubMed 26580448 (cited by Women's Health and Genetics/Laboratory Corporation of America, LabCorp); PubMed 11828258 (cited by Quest Diagnostics Nichols Institute San Juan Capistrano).

NM_000075.4(CDK4):c.155G>A (p.Ser52Asn)

Genes: CDK4 (cyclin dependent kinase 4; minus strand), LOC130008148 (ATAC-STARR-seq lymphoblastoid silent region 4588; plus strand). Cytogenetic location: 12q14.1.
Variant type: single nucleotide variant.
Coding change: c.155G>A on transcript NM_000075.4 (MANE Select); coding-DNA position 155, G replaced by A.
Protein change: p.Ser52Asn; replaces serine 52 with asparagine.
Molecular consequence: missense variant.
Genome position (GRCh38, 1-based): chr12:57,751,563, C>T on the plus strand (G>A on the coding strand, the complement: CDK4 is on the minus strand). VCF-style: chr12-57751563-C-T. GRCh37 (hg19) VCF-style: chr12-58145346-C-T.
Other names: short protein forms S52N.
Identifiers: ClinVar variation 439046 (VCV000439046.21), dbSNP rs760719270, ClinGen allele CA6657880.